The following is an entry in ClinVar:

ClinVar aggregate classification (germline): Likely benign. Review status: criteria provided, multiple submitters, no conflicts (2 of 4 stars). 2 submissions from 2 submitters: Likely benign (2). Last evaluated 2025-03-01.

Allele frequency attached by ClinVar (database versions not stated): TOPMed 0.00001; gnomAD 0.00002.
gnomAD v4.1: 28 of 1,613,900 alleles (0.0017%); highest among the groups gnomAD compares: Non-Finnish European, 0.002%; no homozygotes.

Submissions (2):

CeGaT Center for Human Genetics Tuebingen
Classification: Likely benign. Last evaluated: 2025-03-01. Review status: criteria provided, single submitter. Criteria: CeGaT Center For Human Genetics Tuebingen Variant Classification Criteria Version 2. Collection method: clinical testing. Allele origin: germline. Affected: yes. Observed: 2 variant alleles.
Comment: EIF2B1: BP4, BP7

Labcorp Genetics (formerly Invitae), Labcorp
Classification: Likely benign. Last evaluated: 2024-03-08. Review status: criteria provided, single submitter. Criteria: Invitae Variant Classification Sherloc (09022015). Collection method: clinical testing. Allele origin: germline.

NM_001414.4(EIF2B1):c.867C>G (p.Gly289=)

Genes: EIF2B1 (eukaryotic translation initiation factor 2B subunit alpha; minus strand), LOC126861664 (CDK7 strongly-dependent group 2 enhancer GRCh37_chr12:124105924-124107123; plus strand). Cytogenetic location: 12q24.31.
Variant type: single nucleotide variant.
Coding change: c.867C>G on transcript NM_001414.4 (MANE Select); coding-DNA position 867, C replaced by G.
Protein change: p.Gly289=; no amino-acid change (glycine 289 retained).
Molecular consequence: synonymous variant.
Genome position (GRCh38, 1-based): chr12:123,621,807, G>C on the plus strand (C>G on the coding strand, the complement: EIF2B1 is on the minus strand). VCF-style: chr12-123621807-G-C. GRCh37 (hg19) VCF-style: chr12-124106354-G-C.
Identifiers: ClinVar variation 2643513 (VCV002643513.27), dbSNP rs1222221951, ClinGen allele CA482256344.